The following is an entry in ClinVar:

NM_001166108.2(PALLD):c.1009G>A (p.Asp337Asn)

Gene: PALLD (palladin, cytoskeletal associated protein; plus strand). Cytogenetic location: 4q32.3.
Variant type: single nucleotide variant.
Coding change: c.1009G>A on transcript NM_001166108.2 (MANE Select); coding-DNA position 1009, G replaced by A.
Protein change: p.Asp337Asn; replaces aspartic acid 337 with asparagine.
Molecular consequence: missense variant. On other transcripts: 5 prime UTR variant (1).
Genome position (GRCh38, 1-based): chr4:168,668,290, G>A. VCF-style: chr4-168668290-G-A. GRCh37 (hg19) VCF-style: chr4-169589441-G-A.
Other names: c.-138G>A (NM_001166109.2); c.1009G>A, p.Asp337Asn (NM_016081.4); short protein forms D337N.
Identifiers: ClinVar variation 1794824 (VCV001794824.2), dbSNP rs2531425276, ClinGen allele CA358793795.

ClinVar aggregate classification (germline): Uncertain significance (1 of 4 stars; one submission).

Submission:

Ambry Genetics
Classification: Uncertain significance. Last evaluated: 2022-09-25. Review status: criteria provided, single submitter. Criteria: Ambry Variant Classification Scheme 2023. Collection method: clinical testing. Allele origin: germline.
Comment: The p.D337N variant (also known as c.1009G>A), located in coding exon 2 of the PALLD gene, results from a G to A substitution at nucleotide position 1009. The aspartic acid at codon 337 is replaced by asparagine, an amino acid with highly similar properties. This amino acid position is conserved. In addition, this alteration is predicted to be tolerated by in silico analysis. Since supporting evidence is limited at this time, the clinical significance of this alteration remains unclear.